The following is an entry in ClinVar:

NM_001278512.2(AP3B2):c.2713C>G (p.Pro905Ala)

Genes: AP3B2 (adaptor related protein complex 3 subunit beta 2; minus strand), CPEB1-AS1 (CPEB1 antisense RNA 1; plus strand). Cytogenetic location: 15q25.2.
Variant type: single nucleotide variant.
Coding change: c.2713C>G on transcript NM_001278512.2 (MANE Select); coding-DNA position 2713, C replaced by G.
Protein change: p.Pro905Ala; replaces proline 905 with alanine.
Molecular consequence: missense variant.
Genome position (GRCh38, 1-based): chr15:82,662,814, G>C on the plus strand (C>G on the coding strand, the complement: AP3B2 is on the minus strand). VCF-style: chr15-82662814-G-C. GRCh37 (hg19) VCF-style: chr15-83331566-G-C.
Other names: c.2560C>G, p.Pro854Ala (NM_001278511.2); c.2656C>G, p.Pro886Ala (NM_004644.5); c.2656C>G (NM_004644.3); short protein forms P854A, P905A, P886A.
Identifiers: ClinVar variation 2009246 (VCV002009246.5), dbSNP rs2047976210, ClinGen allele CA393308629.

ClinVar aggregate classification (germline): Uncertain significance. Review status: criteria provided, multiple submitters, no conflicts (2 of 4 stars). 2 submissions from 2 submitters: Uncertain significance (2). Last evaluated 2025-09-05.

Conditions:
Inborn genetic diseases. Identifiers: MedGen C0950123, MeSH D030342.

Submissions (2):

Ambry Genetics
Classification: Uncertain significance for Inborn genetic diseases. Last evaluated: 2025-09-05. Review status: criteria provided, single submitter. Criteria: Ambry Variant Classification Scheme 2023. Collection method: clinical testing. Allele origin: germline.

Labcorp Genetics (formerly Invitae), Labcorp
Classification: Uncertain significance. Last evaluated: 2022-06-28. Review status: criteria provided, single submitter. Criteria: Invitae Variant Classification Sherloc (09022015). Collection method: clinical testing. Allele origin: germline.
Comment: This sequence change replaces proline, which is neutral and non-polar, with alanine, which is neutral and non-polar, at codon 886 of the AP3B2 protein (p.Pro886Ala). This variant is not present in population databases (gnomAD no frequency). This variant has not been reported in the literature in individuals affected with AP3B2-related conditions. Algorithms developed to predict the effect of missense changes on protein structure and function are either unavailable or do not agree on the potential impact of this missense change (SIFT: "Tolerated"; PolyPhen-2: "Possibly Damaging"; Align-GVGD: "Class C0"). In summary, the available evidence is currently insufficient to determine the role of this variant in disease. Therefore, it has been classified as a Variant of Uncertain Significance.